The following is an entry in ClinVar:

ClinVar aggregate classification (germline): Conflicting classifications of pathogenicity. Review status: criteria provided, conflicting classifications (1 of 4 stars). 2 submissions from 2 submitters: Uncertain significance (1); Likely benign (1). Last evaluated 2025-05-15.

Conditions:
Cardiovascular phenotype. Identifiers: MedGen CN230736.

Allele frequency attached by ClinVar (database versions not stated): gnomAD 0.00001; TOPMed 0.00001; gnomAD exomes 0.00002.
gnomAD v4.1: 26 of 1,509,152 alleles (0.0017%); highest among the groups gnomAD compares: East Asian, 0.03%; no homozygotes.

Submissions (2):

Ambry Genetics
Classification: Likely benign for Cardiovascular phenotype. Last evaluated: 2025-05-15. Review status: criteria provided, single submitter. Criteria: Ambry Variant Classification Scheme 2023. Collection method: clinical testing. Allele origin: germline.

Labcorp Genetics (formerly Invitae), Labcorp
Classification: Uncertain significance. Last evaluated: 2022-04-08. Review status: criteria provided, single submitter. Criteria: Invitae Variant Classification Sherloc (09022015). Collection method: clinical testing. Allele origin: germline.
Comment: This sequence change replaces alanine, which is neutral and non-polar, with valine, which is neutral and non-polar, at codon 3140 of the ZNF469 protein (p.Ala3140Val). This variant is not present in population databases (gnomAD no frequency). This variant has not been reported in the literature in individuals affected with ZNF469-related conditions. Algorithms developed to predict the effect of missense changes on protein structure and function output the following: SIFT: "Tolerated"; PolyPhen-2: "Benign"; Align-GVGD: "Class C0". The valine amino acid residue is found in multiple mammalian species, which suggests that this missense change does not adversely affect protein function. In summary, the available evidence is currently insufficient to determine the role of this variant in disease. Therefore, it has been classified as a Variant of Uncertain Significance.

NM_001367624.2(ZNF469):c.9503C>T (p.Ala3168Val)

Gene: ZNF469 (zinc finger protein 469; plus strand). Cytogenetic location: 16q24.2.
Variant type: single nucleotide variant.
Coding change: c.9503C>T on transcript NM_001367624.2 (MANE Select); coding-DNA position 9503, C replaced by T.
Protein change: p.Ala3168Val; replaces alanine 3168 with valine.
Molecular consequence: missense variant.
Genome position (GRCh38, 1-based): chr16:88,436,973, C>T. VCF-style: chr16-88436973-C-T. GRCh37 (hg19) VCF-style: chr16-88503381-C-T.
Other names: NM_001127464.1:c.9419C>T; short protein forms A3168V.
Identifiers: ClinVar variation 1523911 (VCV001523911.7), dbSNP rs1485800441, ClinGen allele CA397122555.
Genomic context (GRCh38, chr16:88,436,973, plus strand): 5'-GCGTGGAGCGCAGGTTTGGCTCGCGGGAGCTGCTGCGGGGGCACCTGCAGGAGAGGCACG[C>T]GCAGAGCAAGGCCGGGCCCTGGGCGTGCGGCATGTGCCTGAAGGAGGTGGCCGACGTCTG-3'
Protein context (NP_001354553.1, residues 3158-3178): LLRGHLQERH[Ala3168Val]QSKAGPWACG